The following is an entry in ClinVar:

NM_000554.6(CRX):c.661del (p.Tyr221fs)

Gene: CRX (cone-rod homeobox; plus strand). Cytogenetic location: 19q13.33.
Variant type: Deletion.
Coding change: c.661del on transcript NM_000554.6 (MANE Select); coding-DNA position 661, one base deleted (T; older notation c.661delT).
Protein change: p.Tyr221fs; shifts the reading frame from tyrosine 221.
Molecular consequence: frameshift variant.
Genome position (GRCh38, 1-based): chr19:47,839,728, T deleted. VCF-style (leftmost placement, unchanged base first): chr19-47839727-CT-C. GRCh37 (hg19) VCF-style: chr19-48342984-CT-C.
Other names: short protein forms Y221fs.
Identifiers: ClinVar variation 218923 (VCV000218923.14), dbSNP rs864309708, ClinGen allele CA339653.

ClinVar aggregate classification (germline): Pathogenic. Review status: criteria provided, multiple submitters, no conflicts (2 of 4 stars). 3 submissions from 3 submitters: Pathogenic (3). Last evaluated 2025-01-29.

Conditions:
CRX-related disorders.
Benign concentric annular macular dystrophy. Identifiers: Orphanet 251287, MedGen C5561925, MONDO:0007934, OMIM 153870.
Cone-rod dystrophy 2 (CORD2). Also called: CONE-ROD RETINAL DYSTROPHY; Cone-rod retinal dystrophy 2. Identifiers: Orphanet 1872, MedGen C3489532, MONDO:0007362, OMIM 120970.
Leber congenital amaurosis 7 (LCA7). Identifiers: Orphanet 65, MedGen C3151192, MONDO:0013449, OMIM 613829.

Submissions (3):

Labcorp Genetics (formerly Invitae), Labcorp
Classification: Pathogenic for Cone-rod dystrophy 2; Leber congenital amaurosis 7. Last evaluated: 2025-01-29. Review status: criteria provided, single submitter. Criteria: Invitae Variant Classification Sherloc (09022015). Collection method: clinical testing. Allele origin: germline.
Comment: This sequence change creates a premature translational stop signal (p.Tyr221Thrfs*9) in the CRX gene. While this is not anticipated to result in nonsense mediated decay, it is expected to disrupt the last 79 amino acid(s) of the CRX protein. This variant is not present in population databases (gnomAD no frequency). This premature translational stop signal has been observed in individual(s) with bull's eye maculopathy (PMID: 25259927). ClinVar contains an entry for this variant (Variation ID: 218923). This variant disrupts a region of the CRX protein in which other variant(s) (p.Tyr258*) have been determined to be pathogenic (PMID: 22968130, 25270190). This suggests that this is a clinically significant region of the protein, and that variants that disrupt it are likely to be disease-causing. For these reasons, this variant has been classified as Pathogenic.

Blueprint Genetics
Classification: Pathogenic for CRX-related disorders. Last evaluated: 2023-10-17. Review status: criteria provided, single submitter. Criteria: ACMG Guidelines, 2015. Collection method: clinical testing. Allele origin: germline. Affected: yes. Observed: 3 variant alleles.

Lupski Lab, Baylor-Hopkins CMG, Baylor College of Medicine
Classification: Pathogenic for Bull's eye maculopathy. Last evaluated: 2014-09-25. Review status: criteria provided, single submitter. Criteria: Yamamoto et al. (Cell 2014). Collection method: research. Allele origin: inherited. Inheritance: Autosomal dominant inheritance. Affected: yes. Observed: 8 variant alleles, 8 heterozygotes.

Literature cited by the submitters: PubMed 25259927 (cited by Labcorp Genetics (formerly Invitae), Labcorp); PubMed 22968130 (cited by Labcorp Genetics (formerly Invitae), Labcorp); PubMed 25270190 (cited by Labcorp Genetics (formerly Invitae), Labcorp).